The following is an entry in ClinVar:

NM_020812.4(DOCK6):c.2196C>A (p.His732Gln)

Gene: DOCK6 (dedicator of cytokinesis 6; minus strand). Cytogenetic location: 19p13.2.
Variant type: single nucleotide variant.
Coding change: c.2196C>A on transcript NM_020812.4 (MANE Select); coding-DNA position 2196, C replaced by A.
Protein change: p.His732Gln; replaces histidine 732 with glutamine.
Molecular consequence: missense variant.
Genome position (GRCh38, 1-based): chr19:11,236,542, G>T on the plus strand (C>A on the coding strand, the complement: DOCK6 is on the minus strand). VCF-style: chr19-11236542-G-T. GRCh37 (hg19) VCF-style: chr19-11347218-G-T.
Other names: c.2196C>A, p.His732Gln (NM_001367830.1); c.2196C>A (NM_020812.2); short protein forms H732Q.
Identifiers: ClinVar variation 1388239 (VCV001388239.5), dbSNP rs777169104, ClinGen allele CA9207704.
Genomic context (GRCh38, chr19:11,236,542, plus strand): 5'-GTTGCCCTCGCTCAGCACAGTGTCCTTGAGCCGGAATGGGAAGGCTCCCTCCTCCAGGAC[G>T]TGCACCAGGGTGAAGAATTTGTCCAGGTAGGGGTCCTGGGTAGGGATGTGGAGTGAGCAG-3'
Protein context (NP_065863.2, residues 722-742): PYLDKFFTLV[His732Gln]VLEEGAFPFR

ClinVar aggregate classification (germline): Uncertain significance. Review status: criteria provided, multiple submitters, no conflicts (2 of 4 stars). 2 submissions from 2 submitters: Uncertain significance (2). Last evaluated 2025-10-22.

Conditions:
Inborn genetic diseases. Identifiers: MedGen C0950123, MeSH D030342.

gnomAD v4.1: 76 of 1,600,356 alleles (0.0047%); highest among the groups gnomAD compares: Admixed American, 0.0069%; no homozygotes.

Submissions (2):

Labcorp Genetics (formerly Invitae), Labcorp
Classification: Uncertain significance. Last evaluated: 2025-10-22. Review status: criteria provided, single submitter. Criteria: Invitae Variant Classification Sherloc (09022015). Collection method: clinical testing. Allele origin: germline.
Comment: This sequence change replaces histidine, which is basic and polar, with glutamine, which is neutral and polar, at codon 732 of the DOCK6 protein (p.His732Gln). This variant is present in population databases (rs777169104, gnomAD 0.009%). This variant has not been reported in the literature in individuals affected with DOCK6-related conditions. ClinVar contains an entry for this variant (Variation ID: 1388239). Invitae Evidence Modeling of protein sequence and biophysical properties (such as structural, functional, and spatial information, amino acid conservation, physicochemical variation, residue mobility, and thermodynamic stability) indicates that this missense variant is not expected to disrupt DOCK6 protein function with a negative predictive value of 80%. In summary, the available evidence is currently insufficient to determine the role of this variant in disease. Therefore, it has been classified as a Variant of Uncertain Significance.

Ambry Genetics
Classification: Uncertain significance for Inborn genetic diseases. Last evaluated: 2023-10-25. Review status: criteria provided, single submitter. Criteria: Ambry Variant Classification Scheme 2023. Collection method: clinical testing. Allele origin: germline.